The following is an entry in ClinVar:

NM_000388.4(CASR):c.1334C>T (p.Thr445Ile)

Gene: CASR (calcium sensing receptor; plus strand). Cytogenetic location: 3q21.1.
Variant type: single nucleotide variant.
Coding change: c.1334C>T on transcript NM_000388.4 (MANE Select); coding-DNA position 1334, C replaced by T.
Protein change: p.Thr445Ile; replaces threonine 445 with isoleucine.
Molecular consequence: missense variant.
Genome position (GRCh38, 1-based): chr3:122,262,369, C>T. VCF-style: chr3-122262369-C-T. GRCh37 (hg19) VCF-style: chr3-121981216-C-T.
Other names: c.1334C>T, p.Thr445Ile (NM_001178065.2); short protein forms T445I.
Identifiers: ClinVar variation 1352272 (VCV001352272.8), dbSNP rs1471887387, ClinGen allele CA354153177.

ClinVar aggregate classification (germline): Uncertain significance (1 of 4 stars; one submission).

Conditions:
Familial hypocalciuric hypercalcemia (FHH). Also called: Familial benign hypercalcemia. Identifiers: Orphanet 405, MedGen C1809471, MONDO:0018458.
Autosomal dominant hypocalcemia 1 (HYPOC1). Also called: HYPOCALCEMIA, FAMILIAL. Identifiers: MedGen C3715128, MONDO:0011013, OMIM 601198.

Allele frequency attached by ClinVar (database versions not stated): gnomAD exomes below 0.00001.
gnomAD v4.1: 3 of 1,613,896 alleles (0.00019%); highest among the groups gnomAD compares: Non-Finnish European, 0.00025%; no homozygotes.

Submission:

Labcorp Genetics (formerly Invitae), Labcorp
Classification: Uncertain significance for Familial hypocalciuric hypercalcemia; Autosomal dominant hypocalcemia 1. Last evaluated: 2021-04-18. Review status: criteria provided, single submitter. Criteria: Invitae Variant Classification Sherloc (09022015). Collection method: clinical testing. Allele origin: germline.
Comment: This sequence change replaces threonine with isoleucine at codon 445 of the CASR protein (p.Thr445Ile). The threonine residue is moderately conserved and there is a moderate physicochemical difference between threonine and isoleucine. This variant is not present in population databases (ExAC no frequency). This variant has not been reported in the literature in individuals with CASR-related conditions. Algorithms developed to predict the effect of missense changes on protein structure and function are either unavailable or do not agree on the potential impact of this missense change (SIFT: "Deleterious"; PolyPhen-2: "Benign"; Align-GVGD: "Class C15"). In summary, the available evidence is currently insufficient to determine the role of this variant in disease. Therefore, it has been classified as a Variant of Uncertain Significance.